The following is an entry in ClinVar:

NM_000493.4(COL10A1):c.1807G>A (p.Val603Met)

Genes: NT5DC1 (5'-nucleotidase domain containing 1; plus strand), COL10A1 (collagen type X alpha 1 chain; minus strand). Cytogenetic location: 6q22.1.
Variant type: single nucleotide variant.
Coding change: c.1807G>A on transcript NM_000493.4 (MANE Select); coding-DNA position 1807, G replaced by A.
Protein change: p.Val603Met; replaces valine 603 with methionine.
Molecular consequence: missense variant. On other transcripts: intron variant (1).
Genome position (GRCh38, 1-based): chr6:116,120,309, C>T on the plus strand (G>A on the coding strand, the complement: COL10A1 is on the minus strand). VCF-style: chr6-116120309-C-T. GRCh37 (hg19) VCF-style: chr6-116441472-C-T.
Other names: c.1807G>A, p.Val603Met (NM_001424106.1, NM_001424107.1); c.529+2364C>T (NM_152729.3); short protein forms V603M.
Identifiers: ClinVar variation 3710315 (VCV003710315.2).
Genomic context (GRCh38, chr6:116,120,309, plus strand): 5'-ACATTACAGGGGTGCCATTCTTATACAGGCCTACCCAAACATGAGTCCCTTTCACATGCA[C>T]GTGGTATGAAAAATAGTATATTCCTGGTATCTGACAAGTAAAGATTCCAGTCCTTGGGTC-3'
Protein context (NP_000484.2, residues 593-613): IPGIYYFSYH[Val603Met]HVKGTHVWVG

ClinVar aggregate classification (germline): Uncertain significance (1 of 4 stars; one submission).

gnomAD v4.1: 46 of 1,614,140 alleles (0.0028%); highest among the groups gnomAD compares: Non-Finnish European, 0.0033%; no homozygotes.

Submission:

Labcorp Genetics (formerly Invitae), Labcorp
Classification: Uncertain significance. Last evaluated: 2024-09-22. Review status: criteria provided, single submitter. Criteria: Invitae Variant Classification Sherloc (09022015). Collection method: clinical testing. Allele origin: germline.
Comment: This sequence change replaces valine, which is neutral and non-polar, with methionine, which is neutral and non-polar, at codon 603 of the COL10A1 protein (p.Val603Met). This variant is present in population databases (rs143769451, gnomAD 0.006%). This missense change has been observed in individual(s) with hypochondroplasia (PMID: 1329505). Invitae Evidence Modeling of protein sequence and biophysical properties (such as structural, functional, and spatial information, amino acid conservation, physicochemical variation, residue mobility, and thermodynamic stability) indicates that this missense variant is not expected to disrupt COL10A1 protein function with a negative predictive value of 80%. Experimental studies have shown that this missense change does not substantially affect COL10A1 function (PMID: 17403716). In summary, the available evidence is currently insufficient to determine the role of this variant in disease. Therefore, it has been classified as a Variant of Uncertain Significance.

Literature cited by the submitters: PubMed 1329505; PubMed 17403716.